The following is an entry in ClinVar:

NM_001145809.2(MYH14):c.2932C>G (p.Leu978Val)

Gene: MYH14 (myosin heavy chain 14; plus strand). Cytogenetic location: 19q13.33.
Variant type: single nucleotide variant.
Coding change: c.2932C>G on transcript NM_001145809.2 (MANE Select); coding-DNA position 2932, C replaced by G.
Protein change: p.Leu978Val; replaces leucine 978 with valine.
Molecular consequence: missense variant.
Genome position (GRCh38, 1-based): chr19:50,268,266, C>G. VCF-style: chr19-50268266-C-G. GRCh37 (hg19) VCF-style: chr19-50771523-C-G.
Other names: c.2833C>G, p.Leu945Val (NM_001077186.2); c.2809C>G, p.Leu937Val (NM_024729.4); short protein forms L937V, L945V, L978V.
Identifiers: ClinVar variation 3033714 (VCV003033714.2), dbSNP rs2514404674, ClinGen allele CA406948806.

ClinVar aggregate classification (germline): Uncertain significance (0 of 4 stars; one submission).

Conditions:
MYH14-related disorder. Also called: MYH14-related condition.

Submission:

PreventionGenetics, part of Exact Sciences
Classification: Uncertain significance for MYH14-related condition. Last evaluated: 2023-11-13. Review status: no assertion criteria provided. Collection method: clinical testing. Allele origin: germline.
Comment: The MYH14 c.2932C>G variant is predicted to result in the amino acid substitution p.Leu978Val. To our knowledge, this variant has not been reported in the literature or in a large population database, indicating this variant is rare. At this time, the clinical significance of this variant is uncertain due to the absence of conclusive functional and genetic evidence.